The following is an entry in ClinVar:

NM_001127198.5(TMC6):c.1240G>A (p.Glu414Lys)

Gene: TMC6 (transmembrane channel like 6; minus strand). Cytogenetic location: 17q25.3.
Variant type: single nucleotide variant.
Coding change: c.1240G>A on transcript NM_001127198.5 (MANE Select); coding-DNA position 1240, G replaced by A.
Protein change: p.Glu414Lys; replaces glutamic acid 414 with lysine.
Molecular consequence: missense variant.
Genome position (GRCh38, 1-based): chr17:78,121,699, C>T on the plus strand (G>A on the coding strand, the complement: TMC6 is on the minus strand). VCF-style: chr17-78121699-C-T. GRCh37 (hg19) VCF-style: chr17-76117780-C-T.
Other names: c.1240G>A, p.Glu414Lys (NM_001321185.1, NM_001374593.1, NM_001374594.1 and 4 more transcripts); c.1240G>A (NM_007267.6); short protein forms E414K.
Identifiers: ClinVar variation 966371 (VCV000966371.7), dbSNP rs536179551, ClinGen allele CA8795801.

ClinVar aggregate classification (germline): Uncertain significance. Review status: criteria provided, multiple submitters, no conflicts (2 of 4 stars). 2 submissions from 2 submitters: Uncertain significance (2). Last evaluated 2024-11-04.

Conditions:
Inborn genetic diseases. Identifiers: MedGen C0950123, MeSH D030342.
Epidermodysplasia verruciformis. Identifiers: Orphanet 302, MedGen C0014522, MONDO:0009176.

Allele frequency attached by ClinVar (database versions not stated): gnomAD 0.00003; TOPMed 0.00003; gnomAD exomes 0.00004 and 0.00008; ExAC 0.00009; 1000 Genomes Project 30x 0.00016; 1000 Genomes Project 0.00020.
gnomAD v4.1: 123 of 1,586,838 alleles (0.0078%); highest among the groups gnomAD compares: Non-Finnish European, 0.0092%; no homozygotes.

Submissions (2):

Labcorp Genetics (formerly Invitae), Labcorp
Classification: Uncertain significance for Epidermodysplasia verruciformis. Last evaluated: 2024-11-04. Review status: criteria provided, single submitter. Criteria: Invitae Variant Classification Sherloc (09022015). Collection method: clinical testing. Allele origin: germline.
Comment: This sequence change replaces glutamic acid, which is acidic and polar, with lysine, which is basic and polar, at codon 414 of the TMC6 protein (p.Glu414Lys). This variant is present in population databases (rs536179551, gnomAD 0.02%). This variant has not been reported in the literature in individuals affected with TMC6-related conditions. ClinVar contains an entry for this variant (Variation ID: 966371). An algorithm developed to predict the effect of missense changes on protein structure and function (PolyPhen-2) suggests that this variant¬†is likely to be tolerated. In summary, the available evidence is currently insufficient to determine the role of this variant in disease. Therefore, it has been classified as a Variant of Uncertain Significance.

Ambry Genetics
Classification: Uncertain significance for Inborn genetic diseases. Last evaluated: 2024-03-21. Review status: criteria provided, single submitter. Criteria: Ambry Variant Classification Scheme 2023. Collection method: clinical testing. Allele origin: germline.